The following is an entry in ClinVar:

ClinVar aggregate classification (germline): Uncertain significance (1 of 4 stars; one submission).

Conditions:
Inborn genetic diseases. Identifiers: MedGen C0950123, MeSH D030342.

Submission:

Ambry Genetics
Classification: Uncertain significance for Inborn genetic diseases. Last evaluated: 2026-07-14. Review status: criteria provided, single submitter. Criteria: Ambry Variant Classification Scheme 2023. Collection method: clinical testing. Allele origin: germline.
Comment: The c.262G>A (p.G88S) alteration is located in exon 1 (coding exon 1) of the POU3F3 gene. This alteration results from a G to A substitution at nucleotide position 262, causing the glycine (G) at amino acid position 88 to be replaced by a serine (S). Based on data from gnomAD, the A allele has an overall frequency of 0.001% (1/163250) total alleles studied. The highest observed frequency was 0.004% (1/24022) of South Asian alleles. Based on insufficient or conflicting evidence, the clinical significance of this alteration remains unclear.

NM_006236.3(POU3F3):c.262G>A (p.Gly88Ser)

Gene: POU3F3 (POU class 3 homeobox 3; plus strand). Cytogenetic location: 2q12.1.
Variant type: single nucleotide variant.
Coding change: c.262G>A on transcript NM_006236.3 (MANE Select); coding-DNA position 262, G replaced by A.
Protein change: p.Gly88Ser; replaces glycine 88 with serine.
Molecular consequence: missense variant.
Genome position (GRCh38, 1-based): chr2:104,855,772, G>A. VCF-style: chr2-104855772-G-A. GRCh37 (hg19) VCF-style: chr2-105472230-G-A.
Other names: c.262G>A, p.Gly88Ser (NM_001433704.1); short protein forms G88S.
Identifiers: ClinVar variation 5027210 (VCV005027210.1).